The following is an entry in ClinVar:

NM_001379500.1(COL18A1):c.693G>A (p.Val231=)

Gene: COL18A1 (collagen type XVIII alpha 1 chain; plus strand). Cytogenetic location: 21q22.3.
Variant type: single nucleotide variant.
Coding change: c.693G>A on transcript NM_001379500.1 (MANE Select); coding-DNA position 693, G replaced by A.
Protein change: p.Val231=; no amino-acid change (valine 231 retained).
Molecular consequence: synonymous variant.
Genome position (GRCh38, 1-based): chr21:45,473,936, G>A. VCF-style: chr21-45473936-G-A. GRCh37 (hg19) VCF-style: chr21-46893850-G-A.
Other names: NM_130445.2:c.693G>A; c.1233G>A (NM_030582.3); c.1233G>A, p.Val411= (NM_030582.4); c.1938G>A, p.Val646= (NM_130444.3).
Identifiers: ClinVar variation 340201 (VCV000340201.30), dbSNP rs149772252, ClinGen allele CA10065852.

ClinVar aggregate classification (germline): Conflicting classifications of pathogenicity. Review status: criteria provided, conflicting classifications (1 of 4 stars). 6 submissions from 6 submitters: Uncertain significance (2); Benign (1); Likely benign (2). 1 of the submissions does not count toward it. Last evaluated 2026-07-01.

Conditions:
Inborn genetic diseases. Identifiers: MedGen C0950123, MeSH D030342.
Knobloch syndrome (KNO). Also called: Myopia retinal detachment encephalocele; RETINAL DETACHMENT AND OCCIPITAL ENCEPHALOCELE. Identifiers: Orphanet 1571, MedGen C1849409, MONDO:0800166.
COL18A1-related disorder. Also called: COL18A1-related condition; COL18A1-related disorders.

Allele frequency attached by ClinVar (database versions not stated): 1000 Genomes Project 30x 0.00094; gnomAD exomes 0.00097; 1000 Genomes Project 0.00100; TOPMed 0.00104; gnomAD 0.00105 and 0.00108; ESP Exome Variant Server 0.00120; ExAC 0.00174.
gnomAD v4.1: 2,350 of 1,606,264 alleles (0.15%); highest among the groups gnomAD compares: Non-Finnish European, 0.18%; 3 homozygotes.

Submissions (6):

CeGaT Center for Human Genetics Tuebingen
Classification: Likely benign. Last evaluated: 2026-07-01. Review status: criteria provided, single submitter. Criteria: CeGaT Center For Human Genetics Tuebingen Variant Classification Criteria Version 2. Collection method: clinical testing. Allele origin: germline. Affected: yes. Observed: 3 variant alleles.
Comment: COL18A1: BS2

Labcorp Genetics (formerly Invitae), Labcorp
Classification: Benign. Last evaluated: 2026-01-26. Review status: criteria provided, single submitter. Criteria: Invitae Variant Classification Sherloc (09022015). Collection method: clinical testing. Allele origin: germline.

Ambry Genetics
Classification: Uncertain significance for Inborn genetic diseases. Last evaluated: 2025-05-07. Review status: criteria provided, single submitter. Criteria: Ambry Variant Classification Scheme 2023. Collection method: clinical testing. Allele origin: germline.
Comment: The c.693G>A (p.V231V) alteration is located in exon 4 (coding exon 4) of the COL18A1 gene. This alteration consists of a G to A substitution at nucleotide position 693. This nucleotide substitution does not change the amino acid at codon 231. However, this change occurs in the last nucleotide of Exon 4 (c.652_738) which makes it likely to have some effect on normal mRNA splicing. Based on insufficient or conflicting evidence, the clinical significance of this alteration remains unclear.

Blueprint Genetics
Classification: Likely benign. Last evaluated: 2024-10-11. Review status: criteria provided, single submitter. Criteria: ACMG Guidelines, 2015. Collection method: clinical testing. Allele origin: germline.

Illumina Laboratory Services, Illumina
Classification: Uncertain significance for Knobloch syndrome 1. Last evaluated: 2018-01-13. Review status: criteria provided, single submitter. Criteria: ICSL Variant Classification Criteria 13 December 2019. Collection method: clinical testing. Allele origin: germline.

PreventionGenetics, part of Exact Sciences
Classification: Likely benign for COL18A1-related condition. Last evaluated: 2019-04-19. Review status: no assertion criteria provided. Collection method: clinical testing. Allele origin: germline. Not counted in ClinVar's aggregate classification.
Comment: This variant is classified as likely benign based on ACMG/AMP sequence variant interpretation guidelines (Richards et al. 2015 PMID: 25741868, with internal and published modifications).